The following is an entry in ClinVar:

NM_177438.3(DICER1):c.5450G>C (p.Gly1817Ala)

Gene: DICER1 (dicer 1, ribonuclease III; minus strand). Cytogenetic location: 14q32.13.
Variant type: single nucleotide variant.
Coding change: c.5450G>C on transcript NM_177438.3 (MANE Select); coding-DNA position 5450, G replaced by C.
Protein change: p.Gly1817Ala; replaces glycine 1817 with alanine.
Molecular consequence: missense variant. On other transcripts: non-coding transcript variant (6), intron variant (1).
Genome position (GRCh38, 1-based): chr14:95,091,280, C>G on the plus strand (G>C on the coding strand, the complement: DICER1 is on the minus strand). VCF-style: chr14-95091280-C-G. GRCh37 (hg19) VCF-style: chr14-95557617-C-G.
Other names: c.5450G>C, p.Gly1817Ala (NM_001271282.3, NM_001291628.2, NM_001395677.1 and 8 more transcripts); c.5168G>C, p.Gly1723Ala (NM_001395686.1); c.5045G>C, p.Gly1682Ala (NM_001395687.1, NM_001395688.1, NM_001395689.1 and 1 more transcripts); c.4883G>C, p.Gly1628Ala (NM_001395691.1); c.3767G>C, p.Gly1256Ala (NM_001395697.1); c.5365-171G>C (NM_001195573.1); short protein forms G1256A, G1628A, G1682A, G1723A, G1817A.
Identifiers: ClinVar variation 1719285 (VCV001719285.6), dbSNP rs2139777712, ClinGen allele CA390864627.

ClinVar aggregate classification (germline): Uncertain significance (1 of 4 stars; one submission).

Conditions:
DICER1-related tumor predisposition. Also called: DICER1 syndrome; DICER1-related pleuropulmonary blastoma cancer predisposition syndrome. Identifiers: Orphanet 284343, MedGen C3839822, MONDO:0100216.

Submission:

Labcorp Genetics (formerly Invitae), Labcorp
Classification: Uncertain significance for DICER1-related tumor predisposition. Last evaluated: 2022-09-12. Review status: criteria provided, single submitter. Criteria: Invitae Variant Classification Sherloc (09022015). Collection method: clinical testing. Allele origin: germline.
Comment: This sequence change replaces glycine, which is neutral and non-polar, with alanine, which is neutral and non-polar, at codon 1817 of the DICER1 protein (p.Gly1817Ala). This variant is not present in population databases (gnomAD no frequency). This variant has not been reported in the literature in individuals affected with DICER1-related conditions. Algorithms developed to predict the effect of missense changes on protein structure and function (SIFT, PolyPhen-2, Align-GVGD) all suggest that this variant is likely to be disruptive. In summary, the available evidence is currently insufficient to determine the role of this variant in disease. Therefore, it has been classified as a Variant of Uncertain Significance.